The following is an entry in ClinVar:

NM_001171613.2(PREPL):c.1413T>A (p.Ala471=)

Gene: PREPL (prolyl endopeptidase like; minus strand). Cytogenetic location: 2p21.
Variant type: single nucleotide variant.
Coding change: c.1413T>A on transcript NM_001171613.2 (MANE Select); coding-DNA position 1413, T replaced by A.
Protein change: p.Ala471=; no amino-acid change (alanine 471 retained).
Molecular consequence: synonymous variant.
Genome position (GRCh38, 1-based): chr2:44,326,778, A>T on the plus strand (T>A on the coding strand, the complement: PREPL is on the minus strand). VCF-style: chr2-44326778-A-T. GRCh37 (hg19) VCF-style: chr2-44553917-A-T.
Other names: c.1494T>A, p.Ala498= (NM_001042385.2); c.1482T>A, p.Ala494= (NM_001042386.2); c.1680T>A, p.Ala560= (NM_001171603.1, NM_001171606.2, NM_001374275.1 and 2 more transcripts); c.1413T>A, p.Ala471= (NM_001171617.1, NM_001374277.1).
Identifiers: ClinVar variation 2092971 (VCV002092971.4), dbSNP rs1406661213, ClinGen allele CA425924084.

ClinVar aggregate classification (germline): Uncertain significance (1 of 4 stars; one submission).

Conditions:
Myasthenic syndrome, congenital, 22 (CMS22). Also called: PREPL DEFICIENCY. Identifiers: MedGen C4479088, MONDO:0044299, OMIM 616224.

Submission:

Labcorp Genetics (formerly Invitae), Labcorp
Classification: Uncertain significance for Myasthenic syndrome, congenital, 22. Last evaluated: 2022-11-22. Review status: criteria provided, single submitter. Criteria: Invitae Variant Classification Sherloc (09022015). Collection method: clinical testing. Allele origin: germline.
Comment: In summary, the available evidence is currently insufficient to determine the role of this variant in disease. Therefore, it has been classified as a Variant of Uncertain Significance. Algorithms developed to predict the effect of sequence changes on RNA splicing suggest that this variant may create or strengthen a splice site. This variant has not been reported in the literature in individuals affected with PREPL-related conditions. This variant is not present in population databases (gnomAD no frequency). This sequence change affects codon 560 of the PREPL mRNA. It is a 'silent' change, meaning that it does not change the encoded amino acid sequence of the PREPL protein.